The following is an entry in ClinVar:

NM_020745.4(AARS2):c.244-281A>G

Gene: AARS2 (alanyl-tRNA synthetase 2, mitochondrial; minus strand). Cytogenetic location: 6p21.1.
Variant type: single nucleotide variant.
Coding change: c.244-281A>G on transcript NM_020745.4 (MANE Select); 281 bases into the intron before coding-DNA position 244, A replaced by G.
Molecular consequence: intron variant.
Genome position (GRCh38, 1-based): chr6:44,312,544, T>C on the plus strand (A>G on the coding strand, the complement: AARS2 is on the minus strand). VCF-style: chr6-44312544-T-C. GRCh37 (hg19) VCF-style: chr6-44280281-T-C.
Identifiers: ClinVar variation 669454 (VCV000669454.1), dbSNP rs3818685, ClinGen allele CA12295312.
Genomic context (GRCh38, chr6:44,312,544, plus strand): 5'-ACCCTCTGCCTAGTAAAATAGGCAAGGTAAAAGAAGGAGGAATGTGTTGGGAGCTGGAAA[T>C]GGGACGCTGAAAGGTGGCATCCTCCGTCTCAGCTTCTTCAACCACACCCAATAACTTCAG-3'

ClinVar aggregate classification (germline): Benign (1 of 4 stars; one submission).

Allele frequency attached by ClinVar (database versions not stated): TOPMed 0.43178; gnomAD 0.43293 and 0.43635; 1000 Genomes Project 30x 0.47252; 1000 Genomes Project 0.47863.
gnomAD v4.1: 66,054 of 151,892 alleles (43%); highest among the groups gnomAD compares: East Asian, 64%; 14,673 homozygotes.

Submission:

GeneDx
Classification: Benign. Last evaluated: 2018-06-14. Review status: criteria provided, single submitter. Criteria: GeneDx Variant Classification (06012015). Collection method: clinical testing. Allele origin: germline. Affected: yes.
Comment: This variant is considered likely benign or benign based on one or more of the following criteria: it is a conservative change, it occurs at a poorly conserved position in the protein, it is predicted to be benign by multiple in silico algorithms, and/or has population frequency not consistent with disease.